The following is an entry in ClinVar:

NM_000465.4(BARD1):c.1184C>T (p.Pro395Leu)

Gene: BARD1 (BRCA1 associated RING domain 1; minus strand). Cytogenetic location: 2q35.
Variant type: single nucleotide variant.
Coding change: c.1184C>T on transcript NM_000465.4 (MANE Select); coding-DNA position 1184, C replaced by T.
Protein change: p.Pro395Leu; replaces proline 395 with leucine.
Molecular consequence: missense variant. On other transcripts: non-coding transcript variant (2), intron variant (3).
Genome position (GRCh38, 1-based): chr2:214,780,690, G>A on the plus strand (C>T on the coding strand, the complement: BARD1 is on the minus strand). VCF-style: chr2-214780690-G-A. GRCh37 (hg19) VCF-style: chr2-215645414-G-A.
Other names: c.1127C>T, p.Pro376Leu (NM_001282543.2); c.159-28135C>T (NM_001282548.2); c.215+16371C>T (NM_001282545.2); c.364+11607C>T (NM_001282549.2); short protein forms P376L, P395L.
Identifiers: ClinVar variation 3231759 (VCV003231759.3), dbSNP rs1574816735, ClinGen allele CA350453824.

ClinVar aggregate classification (germline): Uncertain significance. Review status: criteria provided, multiple submitters, no conflicts (2 of 4 stars). 2 submissions from 2 submitters: Uncertain significance (2). Last evaluated 2024-10-15.

Conditions:
Familial cancer of breast. Also called: BREAST CANCER, FAMILIAL; Hereditary breast cancer; hereditary breast carcinoma. Identifiers: Orphanet 227535, MedGen C0346153, MONDO:0016419, OMIM 114480. Disease mechanism: loss of function.
Hereditary cancer-predisposing syndrome. Also called: Neoplastic Syndromes, Hereditary; Tumor predisposition; Hereditary neoplastic syndrome; Hereditary Cancer Syndrome. Identifiers: Orphanet 140162, MedGen C0027672, MeSH D009386, MONDO:0015356.

Submissions (2):

Labcorp Genetics (formerly Invitae), Labcorp
Classification: Uncertain significance for Familial cancer of breast. Last evaluated: 2024-10-15. Review status: criteria provided, single submitter. Criteria: Invitae Variant Classification Sherloc (09022015). Collection method: clinical testing. Allele origin: germline.
Comment: This sequence change replaces proline, which is neutral and non-polar, with leucine, which is neutral and non-polar, at codon 395 of the BARD1 protein (p.Pro395Leu). This variant is not present in population databases (gnomAD no frequency). This variant has not been reported in the literature in individuals affected with BARD1-related conditions. An algorithm developed to predict the effect of missense changes on protein structure and function outputs the following: PolyPhen-2: "Benign". The leucine amino acid residue is found in multiple mammalian species, which suggests that this missense change does not adversely affect protein function. In summary, the available evidence is currently insufficient to determine the role of this variant in disease. Therefore, it has been classified as a Variant of Uncertain Significance.

Ambry Genetics
Classification: Uncertain significance for Hereditary cancer-predisposing syndrome. Last evaluated: 2023-09-15. Review status: criteria provided, single submitter. Criteria: Ambry Variant Classification Scheme 2023. Collection method: clinical testing. Allele origin: germline.
Comment: The p.P395L variant (also known as c.1184C>T), located in coding exon 4 of the BARD1 gene, results from a C to T substitution at nucleotide position 1184. The proline at codon 395 is replaced by leucine, an amino acid with similar properties. This amino acid position is conserved. In addition, this alteration is predicted to be tolerated by in silico analysis. Since supporting evidence is limited at this time, the clinical significance of this alteration remains unclear.